The following is an entry in ClinVar:

ClinVar aggregate classification (germline): Likely pathogenic (1 of 4 stars; one submission).

Conditions:
Gorlin syndrome. Also called: Nevoid Basal Cell Carcinoma Syndrome; Basal cell nevus syndrome. Identifiers: Orphanet 377, MedGen C0004779, MONDO:0007187.

Submission:

MGZ Medical Genetics Center
Classification: Likely pathogenic for Basal cell nevus syndrome 1. Last evaluated: 2021-10-15. Review status: criteria provided, single submitter. Criteria: ACMG Guidelines, 2015. Collection method: clinical testing. Allele origin: germline. Affected: yes. Observed: 1 variant allele.
Comment: ACMG criteria applied: PVS1, PM2_SUP

NM_000264.5(PTCH1):c.617C>G (p.Ser206Ter)

Gene: PTCH1 (patched 1; minus strand). Cytogenetic location: 9q22.32.
Variant type: single nucleotide variant.
Coding change: c.617C>G on transcript NM_000264.5 (MANE Select); coding-DNA position 617, C replaced by G.
Protein change: p.Ser206Ter; replaces serine 206 with a stop codon.
Molecular consequence: nonsense. On other transcripts: non-coding transcript variant (1).
Genome position (GRCh38, 1-based): chr9:95,482,171, G>C on the plus strand (C>G on the coding strand, the complement: PTCH1 is on the minus strand). VCF-style: chr9-95482171-G-C. GRCh37 (hg19) VCF-style: chr9-98244453-G-C.
Other names: c.419C>G, p.Ser140Ter (NM_001083602.3, NM_001354919.2); c.614C>G, p.Ser205Ter (NM_001083603.3); c.164C>G, p.Ser55Ter (NM_001083604.3, NM_001083605.3, NM_001083606.3 and 1 more transcripts); c.617C>G, p.Ser206Ter (NM_001354918.2); short protein forms S140*, S205*, S206*, S55*.
Identifiers: ClinVar variation 1710026 (VCV001710026.2), dbSNP rs2538247585, ClinGen allele CA374115089.